The following is an entry in ClinVar:

ClinVar aggregate classification (germline): Uncertain significance (1 of 4 stars; one submission).

Conditions:
Autosomal dominant nocturnal frontal lobe epilepsy 5. Also called: CILIARY DYSKINESIA, PRIMARY, 28, WITHOUT SITUS INVERSUS; KCNT1-Related Epilepsy; CILIARY DYSKINESIA, PRIMARY, 28, WITH SITUS INVERSUS; Epilepsy, nocturnal frontal lobe, 5. Identifiers: Orphanet 98784, MedGen C3554306, MONDO:0014002, OMIM 615005.
Developmental and epileptic encephalopathy, 14 (DEE14). Also called: Early infantile epileptic encephalopathy 14. Identifiers: Orphanet 293181, MedGen C3554195, MONDO:0013989, OMIM 614959.

Allele frequency attached by ClinVar (database versions not stated): gnomAD exomes below 0.00001; TOPMed below 0.00001.
gnomAD v4.1: 1 of 1,609,282 alleles (0.000062%); highest among the groups gnomAD compares: Non-Finnish European, 0.000085%; no homozygotes.

Submission:

Labcorp Genetics (formerly Invitae), Labcorp
Classification: Uncertain significance for Autosomal dominant nocturnal frontal lobe epilepsy 5; Developmental and epileptic encephalopathy, 14. Last evaluated: 2023-10-28. Review status: criteria provided, single submitter. Criteria: Invitae Variant Classification Sherloc (09022015). Collection method: clinical testing. Allele origin: germline.
Comment: This sequence change replaces glycine, which is neutral and non-polar, with serine, which is neutral and polar, at codon 12 of the KCNT1 protein (p.Gly12Ser). This variant is not present in population databases (gnomAD no frequency). This variant has not been reported in the literature in individuals affected with KCNT1-related conditions. ClinVar contains an entry for this variant (Variation ID: 836634). Advanced modeling of protein sequence and biophysical properties (such as structural, functional, and spatial information, amino acid conservation, physicochemical variation, residue mobility, and thermodynamic stability) performed at Invitae indicates that this missense variant is not expected to disrupt KCNT1 protein function with a negative predictive value of 95%. In summary, the available evidence is currently insufficient to determine the role of this variant in disease. Therefore, it has been classified as a Variant of Uncertain Significance.

NM_020822.3(KCNT1):c.34G>A (p.Gly12Ser)

Gene: KCNT1 (potassium sodium-activated channel subfamily T member 1; plus strand). Cytogenetic location: 9q34.3.
Variant type: single nucleotide variant.
Coding change: c.34G>A on transcript NM_020822.3 (MANE Select); coding-DNA position 34, G replaced by A.
Protein change: p.Gly12Ser; replaces glycine 12 with serine.
Molecular consequence: missense variant.
Genome position (GRCh38, 1-based): chr9:135,702,292, G>A. VCF-style: chr9-135702292-G-A. GRCh37 (hg19) VCF-style: chr9-138594138-G-A.
Other names: c.34G>A, p.Gly12Ser (NM_001272003.2); short protein forms G12S.
Identifiers: ClinVar variation 836634 (VCV000836634.10), dbSNP rs1445337149, ClinGen allele CA375492541.